The following is an entry in ClinVar:

ClinVar aggregate classification (germline): Likely benign (1 of 4 stars; one submission).

gnomAD v4.1: 78 of 1,581,558 alleles (0.0049%); highest among the groups gnomAD compares: African/African-American, 0.089%; no homozygotes.

Submission:

Mayo Clinic Laboratories, Mayo Clinic
Classification: Likely benign. Last evaluated: 2024-11-06. Review status: criteria provided, single submitter. Criteria: ACMG Guidelines, 2015. Collection method: clinical testing. Allele origin: germline. Observed: 2 variant alleles.
Comment: BP4, BP7

NM_001374504.1(TMPRSS6):c.2025G>A (p.Val675=)

Gene: TMPRSS6 (transmembrane serine protease 6; minus strand). Cytogenetic location: 22q12.3.
Variant type: single nucleotide variant.
Coding change: c.2025G>A on transcript NM_001374504.1 (MANE Select); coding-DNA position 2025, G replaced by A.
Protein change: p.Val675=; no amino-acid change (valine 675 retained).
Molecular consequence: synonymous variant.
Genome position (GRCh38, 1-based): chr22:37,069,161, C>T on the plus strand (G>A on the coding strand, the complement: TMPRSS6 is on the minus strand). VCF-style: chr22-37069161-C-T. GRCh37 (hg19) VCF-style: chr22-37465201-C-T.
Other names: p.Val684=; c.2025G>A, p.Val675= (NM_153609.4, NM_001289000.2, NM_001289001.2).
Identifiers: ClinVar variation 4684484 (VCV004684484.1).